The following is an entry in ClinVar:

NM_006343.3(MERTK):c.2929_2946dup (p.Leu977_Pro982dup)

Gene: MERTK (MER proto-oncogene, tyrosine kinase; plus strand). Cytogenetic location: 2q13.
Variant type: Duplication.
Coding change: c.2929_2946dup on transcript NM_006343.3 (MANE Select); coding-DNA positions 2929 to 2946, 18 bases duplicated (TTGGGAAGCTCATTGCCC).
Protein change: p.Leu977_Pro982dup.
Molecular consequence: inframe insertion.
Genome position (GRCh38, 1-based): chr2:112,028,793-112,028,810, TTGGGAAGCTCATTGCCC duplicated; duplicating any 18 consecutive bases within chr2:112,028,788-112,028,810 gives the same sequence; the c. name uses the placement nearest the transcript's 3' end. VCF-style (leftmost placement, unchanged base first): chr2-112028787-C-CTGCCCTTGGGAAGCTCAT. GRCh37 (hg19) VCF-style: chr2-112786364-C-CTGCCCTTGGGAAGCTCAT.
Identifiers: ClinVar variation 1018939 (VCV001018939.8), dbSNP rs1467489036, ClinGen allele CA535594795.
Genomic context (GRCh38, chr2:112,028,787, plus strand): 5'-AGTGTTTTACCGGGGGAGAGACTTGTTAGGAATGGGGTCTCCTGGTCCCATTCGAGCATG[C>CTGCCCTTGGGAAGCTCAT]TGCCCTTGGGAAGCTCATTGCCCGATGAACTTTTGTTTGCTGACGACTCCTCAGAAGGCT-3'

ClinVar aggregate classification (germline): Uncertain significance (1 of 4 stars; one submission).

Submission:

Labcorp Genetics (formerly Invitae), Labcorp
Classification: Uncertain significance. Last evaluated: 2024-02-17. Review status: criteria provided, single submitter. Criteria: Invitae Variant Classification Sherloc (09022015). Collection method: clinical testing. Allele origin: germline.
Comment: This variant, c.2929_2946dup, results in the insertion of 6 amino acid(s) of the MERTK protein (p.Leu977_Pro982dup), but otherwise preserves the integrity of the reading frame. This variant is present in population databases (no rsID available, gnomAD 0.03%). This variant has not been reported in the literature in individuals affected with MERTK-related conditions. ClinVar contains an entry for this variant (Variation ID: 1018939). In summary, the available evidence is currently insufficient to determine the role of this variant in disease. Therefore, it has been classified as a Variant of Uncertain Significance.